The following is an entry in ClinVar:

NM_020338.4(ZMIZ1):c.968C>T (p.Thr323Ile)

Gene: ZMIZ1 (zinc finger MIZ-type containing 1; plus strand). Cytogenetic location: 10q22.3.
Variant type: single nucleotide variant.
Coding change: c.968C>T on transcript NM_020338.4 (MANE Select); coding-DNA position 968, C replaced by T.
Protein change: p.Thr323Ile; replaces threonine 323 with isoleucine.
Molecular consequence: missense variant.
Genome position (GRCh38, 1-based): chr10:79,293,391, C>T. VCF-style: chr10-79293391-C-T. GRCh37 (hg19) VCF-style: chr10-81053148-C-T.
Other names: short protein forms T323I.
Identifiers: ClinVar variation 3371529 (VCV003371529.1).

ClinVar aggregate classification (germline): Uncertain significance (1 of 4 stars; one submission).

Submission:

GeneDx
Classification: Uncertain significance. Last evaluated: 2024-04-16. Review status: criteria provided, single submitter. Criteria: GeneDx Variant Classification Process June 2021. Collection method: clinical testing. Allele origin: germline. Affected: yes.
Comment: Not observed at significant frequency in large population cohorts (gnomAD); In silico analysis indicates that this missense variant does not alter protein structure/function; Has not been previously published as pathogenic or benign to our knowledge